The following is an entry in ClinVar:

ClinVar aggregate classification (germline): Benign/Likely benign. Review status: criteria provided, multiple submitters, no conflicts (2 of 4 stars). 4 submissions from 4 submitters: Benign (3); Likely benign (1). Last evaluated 2026-02-03.

Conditions:
Mitochondrial DNA depletion syndrome, myopathic form (MTDPS2). Also called: TK2-Related Mitochondrial DNA Maintenance Defect, Myopathic Form; MITOCHONDRIAL DNA DEPLETION MYOPATHY, TK2-RELATED; MITOCHONDRIAL DNA DEPLETION SYNDROME 2 (MYOPATHIC TYPE). Identifiers: Orphanet 254875, MedGen C3149750, MONDO:0012301, OMIM 609560.

Allele frequency attached by ClinVar (database versions not stated): gnomAD exomes 0.00066 and 0.00165; ExAC 0.00193; 1000 Genomes Project 0.00579; 1000 Genomes Project 30x 0.00625; gnomAD 0.00635 and 0.00674; TOPMed 0.00640; ESP Exome Variant Server 0.00646.
gnomAD v4.1: 1,986 of 1,612,868 alleles (0.12%); highest among the groups gnomAD compares: African/African-American, 2.2%; 18 homozygotes.

Submissions (4):

Labcorp Genetics (formerly Invitae), Labcorp
Classification: Benign. Last evaluated: 2026-02-03. Review status: criteria provided, single submitter. Criteria: Invitae Variant Classification Sherloc (09022015). Collection method: clinical testing. Allele origin: germline.

Blueprint Genetics
Classification: Likely benign. Last evaluated: 2024-11-12. Review status: criteria provided, single submitter. Criteria: ACMG Guidelines, 2015. Collection method: clinical testing. Allele origin: germline.

Illumina Laboratory Services, Illumina
Classification: Benign for Mitochondrial DNA depletion syndrome, myopathic form. Last evaluated: 2018-01-12. Review status: criteria provided, single submitter. Criteria: ICSL Variant Classification Criteria 13 December 2019. Collection method: clinical testing. Allele origin: germline.
Comment: This variant was observed in the ICSL laboratory as part of a predisposition screen in an ostensibly healthy population. It had not been previously curated by ICSL or reported in the Human Gene Mutation Database (HGMD: prior to June 1st, 2018), and was therefore a candidate for classification through an automated scoring system. Utilizing variant allele frequency, disease prevalence and penetrance estimates, and inheritance mode, an automated score was calculated to assess if this variant is too frequent to cause the disease. Based on the score and internal cut-off values, a variant classified as benign is not then subjected to further curation. The score for this variant resulted in a classification of benign for this disease.

GeneDx
Classification: Benign. Last evaluated: 2013-02-25. Review status: criteria provided, single submitter. Criteria: GeneDx Variant Classification (06012015). Collection method: clinical testing. Allele origin: germline. Affected: yes.
Comment: This variant is considered likely benign or benign based on one or more of the following criteria: it is a conservative change, it occurs at a poorly conserved position in the protein, it is predicted to be benign by multiple in silico algorithms, and/or has population frequency not consistent with disease.

NM_004614.5(TK2):c.449+14A>C

Gene: TK2 (thymidine kinase 2; minus strand). Cytogenetic location: 16q21.
Variant type: single nucleotide variant.
Coding change: c.449+14A>C on transcript NM_004614.5 (MANE Select); 14 bases into the intron after coding-DNA position 449, A replaced by C.
Molecular consequence: intron variant.
Genome position (GRCh38, 1-based): chr16:66,528,980, T>G on the plus strand (A>C on the coding strand, the complement: TK2 is on the minus strand). VCF-style: chr16-66528980-T-G. GRCh37 (hg19) VCF-style: chr16-66562883-T-G.
Other names: c.356+14A>C (NM_001271935.1, NM_001172643.1); c.374+14A>C (NM_001172644.2); c.395+14A>C (NM_001172645.2); c.302+14A>C (NM_001271934.2); c.158+14A>C (NM_001272050.2).
Identifiers: ClinVar variation 137661 (VCV000137661.15), dbSNP rs144627957, ClinGen allele CA291314.